The following is an entry in ClinVar:

ClinVar aggregate classification (germline): Likely benign. Review status: reviewed by expert panel (3 of 4 stars). 8 submissions from 8 submitters: Likely benign (1). 7 of the submissions do not count toward it. Last evaluated 2017-06-29.

Conditions:
BRCA1-related disorder. Also called: BRCA1-related condition.
Hereditary cancer-predisposing syndrome. Also called: Tumor predisposition; Hereditary Cancer Syndrome; Neoplastic Syndromes, Hereditary; Hereditary neoplastic syndrome. Identifiers: Orphanet 140162, MedGen C0027672, MeSH D009386, MONDO:0015356.
Breast-ovarian cancer, familial, susceptibility to, 1 (BROVCA1). Also called: BRCA1 Hereditary Breast and Ovarian Cancer; OVARIAN CANCER, SUSCEPTIBILITY TO. Identifiers: Orphanet 145, MedGen C2676676, MONDO:0011450, OMIM 604370. Disease mechanism: loss of function.
Hereditary breast ovarian cancer syndrome. Also called: Breast and ovarian cancer; Hereditary breast and ovarian cancer; Hereditary breast and ovarian cancer syndrome; Hereditary breast and/or ovarian cancer syndrome; BRCA1- and BRCA2-Associated Hereditary Breast and Ovarian Cancer; Hereditary breast and ovarian cancer syndrome (HBOC). Identifiers: Orphanet 145, MedGen C0677776, MeSH D061325, MONDO:0003582. Disease mechanism: loss of function.

Allele frequency attached by ClinVar (database versions not stated): gnomAD exomes below 0.00001 and 0.00001; TOPMed 0.00001; ExAC 0.00002; gnomAD 0.00003 and 0.00004.
gnomAD v4.1: 6 of 1,613,884 alleles (0.00037%); highest among the groups gnomAD compares: African/African-American, 0.0067%; no homozygotes.

Submissions (8):

Evidence-based Network for the Interpretation of Germline Mutant Alleles (ENIGMA)
Classification: Likely benign for Breast-ovarian cancer, familial, susceptibility to, 1. Last evaluated: 2017-06-29. Review status: reviewed by expert panel. Criteria: ENIGMA BRCA1/2 Classification Criteria (2017-06-29). Collection method: curation. Allele origin: germline.
Comment: Synonymous substitution variant, with low bioinformatic likelihood to result in a splicing aberration (Splicing prior probability 0.02).

Labcorp Genetics (formerly Invitae), Labcorp
Classification: Likely benign for Hereditary breast ovarian cancer syndrome. Last evaluated: 2025-08-06. Review status: criteria provided, single submitter. Criteria: Invitae Variant Classification Sherloc (09022015). Collection method: clinical testing. Allele origin: germline. Not counted in ClinVar's aggregate classification.

Color Diagnostics, LLC DBA Color Health
Classification: Likely benign for Hereditary cancer-predisposing syndrome. Last evaluated: 2023-11-08. Review status: criteria provided, single submitter. Criteria: ACMG Guidelines, 2015. Collection method: clinical testing. Allele origin: germline. Not counted in ClinVar's aggregate classification.

Quest Diagnostics Nichols Institute San Juan Capistrano
Classification: Likely benign. Last evaluated: 2023-03-01. Review status: criteria provided, single submitter. Criteria: Quest Diagnostics criteria. Collection method: clinical testing. Allele origin: unknown. Not counted in ClinVar's aggregate classification.

GeneDx
Classification: Likely benign. Last evaluated: 2020-08-05. Review status: criteria provided, single submitter. Criteria: GeneDx Variant Classification Process June 2021. Collection method: clinical testing. Allele origin: germline. Affected: yes. Not counted in ClinVar's aggregate classification.

Women's Health and Genetics/Laboratory Corporation of America, LabCorp
Classification: Likely benign. Last evaluated: 2019-08-21. Review status: criteria provided, single submitter. Criteria: LabCorp Variant Classification Summary - May 2015. Collection method: clinical testing. Allele origin: germline. Not counted in ClinVar's aggregate classification.

Ambry Genetics
Classification: Likely benign for Hereditary cancer-predisposing syndrome. Last evaluated: 2015-10-30. Review status: criteria provided, single submitter. Criteria: Ambry Variant Classification Scheme 2023. Collection method: clinical testing. Allele origin: germline. Not counted in ClinVar's aggregate classification.

PreventionGenetics, part of Exact Sciences
Classification: Likely benign for BRCA1-related condition. Last evaluated: 2024-08-08. Review status: no assertion criteria provided. Collection method: clinical testing. Allele origin: germline. Not counted in ClinVar's aggregate classification.
Comment: This variant is classified as likely benign based on ACMG/AMP sequence variant interpretation guidelines (Richards et al. 2015 PMID: 25741868, with internal and published modifications).

NM_007294.4(BRCA1):c.2496A>T (p.Pro832=)

Gene: BRCA1 (BRCA1 DNA repair associated; minus strand). Cytogenetic location: 17q21.31.
Variant type: single nucleotide variant.
Coding change: c.2496A>T on transcript NM_007294.4 (MANE Select); coding-DNA position 2496, A replaced by T.
Protein change: p.Pro832=; no amino-acid change (proline 832 retained).
Molecular consequence: synonymous variant. On other transcripts: intron variant (137).
Genome position (GRCh38, 1-based): chr17:43,093,035, T>A on the plus strand (A>T on the coding strand, the complement: BRCA1 is on the minus strand). VCF-style: chr17-43093035-T-A. GRCh37 (hg19) VCF-style: chr17-41245052-T-A.
Other names: c.2496A>T, p.Pro832= (NM_001407640.1, NM_001407641.1, NM_001407642.1 and 30 more transcripts); c.2493A>T, p.Pro831= (NM_001407644.1, NM_001407645.1, NM_001407860.1 and 22 more transcripts); c.2487A>T, p.Pro829= (NM_001407646.1, NM_001407647.1); c.2373A>T, p.Pro791= (NM_001407648.1, NM_001407664.1, NM_001407665.1 and 19 more transcripts); c.2370A>T, p.Pro790= (NM_001407649.1, NM_001407670.1, NM_001407671.1 and 11 more transcripts); c.2418A>T, p.Pro806= (NM_001407653.1, NM_001407654.1, NM_001407655.1 and 4 more transcripts); c.2415A>T, p.Pro805= (NM_001407659.1, NM_001407660.1, NM_001407661.1 and 1 more transcripts); c.2355A>T, p.Pro785= (NM_001407692.1, NM_001407694.1, NM_001407695.1 and 29 more transcripts); and 41 more.
Identifiers: ClinVar variation 220539 (VCV000220539.24), dbSNP rs767666029, ClinGen allele CA058514.